The following is an entry in ClinVar:

NM_001171.6(ABCC6):c.2666G>A (p.Arg889Lys)

Gene: ABCC6 (ATP binding cassette subfamily C member 6; minus strand). Cytogenetic location: 16p13.11.
Variant type: single nucleotide variant.
Coding change: c.2666G>A on transcript NM_001171.6 (MANE Select); coding-DNA position 2666, G replaced by A.
Protein change: p.Arg889Lys; replaces arginine 889 with lysine.
Molecular consequence: missense variant. On other transcripts: non-coding transcript variant (1).
Genome position (GRCh38, 1-based): chr16:16,175,911, C>T on the plus strand (G>A on the coding strand, the complement: ABCC6 is on the minus strand). VCF-style: chr16-16175911-C-T. GRCh37 (hg19) VCF-style: chr16-16269768-C-T.
Other names: c.2324G>A, p.Arg775Lys (NM_001351800.1); short protein forms R889K, R775K.
Identifiers: ClinVar variation 1384535 (VCV001384535.4), dbSNP rs776065362, ClinGen allele CA7925837.

ClinVar aggregate classification (germline): Uncertain significance (1 of 4 stars; one submission).

Allele frequency attached by ClinVar (database versions not stated): ExAC 0.00001; gnomAD 0.00001; gnomAD exomes 0.00001; TOPMed 0.00001.
gnomAD v4.1: 19 of 1,614,004 alleles (0.0012%); highest among the groups gnomAD compares: Non-Finnish European, 0.0014%; no homozygotes.

Submission:

Labcorp Genetics (formerly Invitae), Labcorp
Classification: Uncertain significance. Last evaluated: 2022-09-06. Review status: criteria provided, single submitter. Criteria: Invitae Variant Classification Sherloc (09022015). Collection method: clinical testing. Allele origin: germline.
Comment: This variant is present in population databases (rs776065362, gnomAD 0.002%). This sequence change replaces arginine, which is basic and polar, with lysine, which is basic and polar, at codon 889 of the ABCC6 protein (p.Arg889Lys). This variant also falls at the last nucleotide of exon 20, which is part of the consensus splice site for this exon. This variant has not been reported in the literature in individuals affected with ABCC6-related conditions. In summary, the available evidence is currently insufficient to determine the role of this variant in disease. Therefore, it has been classified as a Variant of Uncertain Significance. Variants that disrupt the consensus splice site are a relatively common cause of aberrant splicing (PMID: 17576681, 9536098). Algorithms developed to predict the effect of sequence changes on RNA splicing suggest that this variant may disrupt the consensus splice site. Algorithms developed to predict the effect of missense changes on protein structure and function (SIFT, PolyPhen-2, Align-GVGD) all suggest that this variant is likely to be tolerated. ClinVar contains an entry for this variant (Variation ID: 1384535).

Literature cited by the submitters: PubMed 17576681; PubMed 9536098.